The following is an entry in ClinVar:

ClinVar aggregate classification (germline): Likely pathogenic (1 of 4 stars; one submission).

Conditions:
Familial thoracic aortic aneurysm and aortic dissection (TAAD). Also called: Thoracic aortic aneurysms and dissections. Identifiers: Orphanet 91387, MedGen C4707243, MONDO:0019625.

Submission:

Ambry Genetics
Classification: Likely pathogenic for Familial thoracic aortic aneurysm and aortic dissection. Last evaluated: 2025-06-12. Review status: criteria provided, single submitter. Criteria: Ambry Variant Classification Scheme 2023. Collection method: clinical testing. Allele origin: germline.
Comment: The c.651_662del12 variant (also known as p.W217_P220del) is located in coding exon 6 of the FBN1 gene. This variant results from an in-frame GGGCCACCCCTG deletion at nucleotide positions 651 to 662. This results in the in-frame deletion of the amino acids at codon 217 to 220. This variant was reported in individual(s) with features consistent with Marfan syndrome (Ambry internal data). This variant is considered to be rare based on population cohorts in the Genome Aggregation Database (gnomAD). This amino acid region is highly conserved in available vertebrate species, and the impacted region is critical for protein function (Ambry internal data). In addition, this variant is predicted to be deleterious by in silico analysis (Choi Y et al. PLoS ONE. 2012; 7(10):e46688). Based on the majority of available evidence to date, this variant is likely to be pathogenic.

NM_000138.5(FBN1):c.651_662del (p.Trp217_Pro220del)

Gene: FBN1 (fibrillin 1; minus strand). Cytogenetic location: 15q21.1.
Variant type: Deletion.
Coding change: c.651_662del on transcript NM_000138.5 (MANE Select); coding-DNA positions 651 to 662, 12 bases deleted (GGGCCACCCCTG).
Protein change: p.Trp217_Pro220del.
Molecular consequence: inframe indel (on NM_000138.4).
Genome position (GRCh38, 1-based): chr15:48,537,685-48,537,696, CAGGGGTGGCCC deleted on the plus strand (GGGCCACCCCTG on the coding strand, the reverse complement: FBN1 is on the minus strand); deleting any 12 consecutive bases within chr15:48,537,685-48,537,700 gives the same sequence; the c. name uses the placement nearest the transcript's 3' end. VCF-style (leftmost placement, unchanged base first): chr15-48537684-ACAGGGGTGGCCC-A. GRCh37 (hg19) VCF-style: chr15-48829881-ACAGGGGTGGCCC-A.
Other names: c.651_662del12 (NM_000138.4); c.651_662del, p.Trp217_Pro220del (NM_001406716.1, NM_001406717.1).
Identifiers: ClinVar variation 4023436 (VCV004023436.1).
Genomic context (GRCh38, chr15:48,537,684, plus strand): 5'-CGTGCGGATATTTGGAATGAAGCCACGGCGGCAGGGGTGAGGCTGGGCAGGACACATCTC[ACAGGGGTGGCCC>A]CAGGCTCGGCCGACTGTGGCACAGCAGAGCGTTTTTGTGCAGACAATCCCGCTGAGTTGT-3'